The following is an entry in ClinVar:

NM_033395.2(CEP295):c.4675G>A (p.Asp1559Asn)

Gene: CEP295 (centrosomal protein 295; plus strand). Cytogenetic location: 11q21.
Variant type: single nucleotide variant.
Coding change: c.4675G>A on transcript NM_033395.2 (MANE Select); coding-DNA position 4675, G replaced by A.
Protein change: p.Asp1559Asn; replaces aspartic acid 1559 with asparagine.
Molecular consequence: missense variant.
Genome position (GRCh38, 1-based): chr11:93,699,587, G>A. VCF-style: chr11-93699587-G-A. GRCh37 (hg19) VCF-style: chr11-93432753-G-A.
Other names: short protein forms D1559N.
Identifiers: ClinVar variation 4882595 (VCV004882595.2).

ClinVar aggregate classification (germline): Uncertain significance (1 of 4 stars; one submission).

Submission:

Dasa
Classification: Uncertain significance. Last evaluated: 2025-08-18. Review status: criteria provided, single submitter. Criteria: DASA Assertion Criteria. Collection method: clinical testing. Allele origin: germline.
Comment: NM_033395.2(CEP295):c.4675G>A (p.Asp1559Asn) is a missense variant that results in the substitution of aspartic acid with asparagine. This variant is absent from population databases. Computational prediction algorithms are consistent with a benign effect. The currently available literature and clinical evidence are not sufficient to establish a definitive association between this variant and the reported condition. Therefore, this variant is classified as a variant of uncertain significance.